The following is an entry in ClinVar:

NM_001386298.1(CIC):c.5194A>C (p.Thr1732Pro)

Gene: CIC (capicua transcriptional repressor; plus strand). Cytogenetic location: 19q13.2.
Variant type: single nucleotide variant.
Coding change: c.5194A>C on transcript NM_001386298.1 (MANE Select); coding-DNA position 5194, A replaced by C.
Protein change: p.Thr1732Pro; replaces threonine 1732 with proline.
Molecular consequence: missense variant.
Genome position (GRCh38, 1-based): chr19:42,291,235, A>C. VCF-style: chr19-42291235-A-C. GRCh37 (hg19) VCF-style: chr19-42795387-A-C.
Other names: c.2467A>C, p.Thr823Pro (NM_001439191.1, NM_015125.5, NM_001379484.1 and 3 more transcripts); c.5194A>C, p.Thr1732Pro (NM_001304815.2, NM_001379480.1, NM_001379482.1 and 6 more transcripts); short protein forms T1732P, T823P.
Identifiers: ClinVar variation 4527771 (VCV004527771.1).

ClinVar aggregate classification (germline): Uncertain significance (1 of 4 stars; one submission).

Submission:

GeneDx
Classification: Uncertain significance. Last evaluated: 2025-04-25. Review status: criteria provided, single submitter. Criteria: GeneDx Variant Classification Process June 2021. Collection method: clinical testing. Allele origin: germline. Affected: yes.
Comment: Not observed at significant frequency in large population cohorts (gnomAD); In silico analysis supports that this missense variant has a deleterious effect on protein structure/function; Has not been previously published as pathogenic or benign to our knowledge